The following is an entry in ClinVar:

ClinVar aggregate classification (germline): Pathogenic (1 of 4 stars; one submission).

Submission:

Labcorp Genetics (formerly Invitae), Labcorp
Classification: Pathogenic. Last evaluated: 2021-10-20. Review status: criteria provided, single submitter. Criteria: Invitae Variant Classification Sherloc (09022015). Collection method: clinical testing. Allele origin: germline.
Comment: For these reasons, this variant has been classified as Pathogenic. This variant has not been reported in the literature in individuals affected with CAD-related conditions. This variant is not present in population databases (ExAC no frequency). This sequence change creates a premature translational stop signal (p.Asp1808Glyfs*21) in the CAD gene. It is expected to result in an absent or disrupted protein product. Loss-of-function variants in CAD are known to be pathogenic (PMID: 28007989, 32117025, 32820246, 33497533).

Literature cited by the submitters: PubMed 28007989; PubMed 32117025; PubMed 32820246; PubMed 33497533.

NM_004341.5(CAD):c.5420dup (p.Asp1808fs)

Gene: CAD (carbamoyl-phosphate synthetase 2, aspartate transcarbamylase, and dihydroorotase; plus strand). Cytogenetic location: 2p23.3.
Variant type: Duplication.
Coding change: c.5420dup on transcript NM_004341.5 (MANE Select); coding-DNA position 5420, one base duplicated (A; older notation c.5420dupA).
Protein change: p.Asp1808fs; shifts the reading frame from aspartic acid 1808.
Molecular consequence: frameshift variant.
Genome position (GRCh38, 1-based): chr2:27,239,722, A duplicated. VCF-style (leftmost placement, unchanged base first): chr2-27239721-C-CA. GRCh37 (hg19) VCF-style: chr2-27462589-C-CA.
Other names: c.5231dup, p.Asp1745fs (NM_001306079.2); short protein forms D1745fs, D1808fs.
Identifiers: ClinVar variation 1363933 (VCV001363933.6), dbSNP rs2148092534, ClinGen allele CA2573134416.